The following is an entry in ClinVar:

NM_000038.6(APC):c.532-20T>C

Gene: APC (APC regulator of Wnt signaling pathway; plus strand). Cytogenetic location: 5q22.2.
Variant type: single nucleotide variant.
Coding change: c.532-20T>C on transcript NM_000038.6 (MANE Select); 20 bases into the intron before coding-DNA position 532, T replaced by C.
Molecular consequence: intron variant.
Genome position (GRCh38, 1-based): chr5:112,780,770, T>C. VCF-style: chr5-112780770-T-C. GRCh37 (hg19) VCF-style: chr5-112116467-T-C.
Other names: c.-504-20T>C (NM_001407470.1, NM_001407472.1, NM_001354906.2 and 1 more transcripts); c.532-20T>C (NM_001407447.1, NM_001354895.2, NM_001407456.1 and 16 more transcripts); c.562-20T>C (NM_001407446.1, NM_001354897.2, NM_001354902.2 and 1 more transcripts); c.355-20T>C (NM_001407453.1, NM_001354900.2, NM_001354901.2 and 1 more transcripts); c.457-20T>C (NM_001407451.1, NM_001354898.2, NM_001354904.2).
Identifiers: ClinVar variation 3148831 (VCV003148831.1), dbSNP rs2532484093, ClinGen allele CA2825001335.

ClinVar aggregate classification (germline): Likely benign (1 of 4 stars; one submission).

Conditions:
Familial adenomatous polyposis 1 (FAP1). Also called: POLYPOSIS, ADENOMATOUS INTESTINAL; FAMILIAL ADENOMATOUS POLYPOSIS 1, ATTENUATED. Identifiers: MedGen C2713442, MONDO:0021056, OMIM 175100. Disease mechanism: loss of function.

Submission:

Myriad Genetics, Inc.
Classification: Likely benign for Familial adenomatous polyposis 1. Last evaluated: 2024-02-23. Review status: criteria provided, single submitter. Criteria: Myriad Autosomal Dominant, Autosomal Recessive and X-Linked Classification Criteria (2023). Collection method: clinical testing. Allele origin: unknown.
Comment: This variant is considered likely benign. This variant is intronic and is not expected to impact mRNA splicing.